The following is an entry in ClinVar:

NM_018979.4(WNK1):c.4076C>T (p.Thr1359Ile)

Gene: WNK1 (WNK lysine deficient protein kinase 1; plus strand). Cytogenetic location: 12p13.33.
Variant type: single nucleotide variant.
Coding change: c.4076C>T on transcript NM_018979.4 (MANE Select); coding-DNA position 4076, C replaced by T.
Protein change: p.Thr1359Ile; replaces threonine 1359 with isoleucine.
Molecular consequence: missense variant.
Genome position (GRCh38, 1-based): chr12:884,880, C>T. VCF-style: chr12-884880-C-T. GRCh37 (hg19) VCF-style: chr12-994046-C-T.
Other names: c.4856C>T, p.Thr1619Ile (NM_001184985.2); c.3335C>T, p.Thr1112Ile (NM_014823.3); c.4832C>T, p.Thr1611Ile (NM_213655.5); short protein forms T1359I, T1112I, T1611I, T1619I.
Identifiers: ClinVar variation 4792230 (VCV004792230.1).

ClinVar aggregate classification (germline): Uncertain significance (1 of 4 stars; one submission).

Conditions:
Neuropathy, hereditary sensory and autonomic, type 2A (HSAN2A). Also called: ACROOSTEOLYSIS, GIACCAI TYPE; ACROOSTEOLYSIS, NEUROGENIC; MORVAN DISEASE; NEUROPATHY, CONGENITAL SENSORY; NEUROPATHY, HEREDITARY SENSORY RADICULAR, AUTOSOMAL RECESSIVE; NEUROPATHY, HEREDITARY SENSORY, TYPE IIA. Identifiers: Orphanet 970, MedGen C2752089, MONDO:0024309, OMIM 201300.
Pseudohypoaldosteronism type 2C (PHA2C). Also called: Pseudohypoaldosteronism Type IIC. Identifiers: Orphanet 757, Orphanet 88940, MedGen C1840391, MONDO:0013778, OMIM 614492.

Submission:

Labcorp Genetics (formerly Invitae), Labcorp
Classification: Uncertain significance for Neuropathy, hereditary sensory and autonomic, type 2A; Pseudohypoaldosteronism type 2C. Last evaluated: 2025-08-27. Review status: criteria provided, single submitter. Criteria: Invitae Variant Classification Sherloc (09022015). Collection method: clinical testing. Allele origin: germline.
Comment: This sequence change replaces threonine, which is neutral and polar, with isoleucine, which is neutral and non-polar, at codon 1611 of the WNK1 protein (p.Thr1611Ile). This variant is not present in population databases (gnomAD no frequency). This variant has not been reported in the literature in individuals affected with WNK1-related conditions. Invitae Evidence Modeling of protein sequence and biophysical properties (such as structural, functional, and spatial information, amino acid conservation, physicochemical variation, residue mobility, and thermodynamic stability) indicates that this missense variant is not expected to disrupt WNK1 protein function with a negative predictive value of 95%. In summary, the available evidence is currently insufficient to determine the role of this variant in disease. Therefore, it has been classified as a Variant of Uncertain Significance.